The following is an entry in ClinVar:

ClinVar aggregate classification (germline): Uncertain significance. Review status: criteria provided, multiple submitters, no conflicts (2 of 4 stars). 2 submissions from 2 submitters: Uncertain significance (2). Last evaluated 2024-10-04.

Allele frequency attached by ClinVar (database versions not stated): gnomAD exomes below 0.00001; ExAC 0.00001.
gnomAD v4.1: 2 of 1,613,546 alleles (0.00012%); highest among the groups gnomAD compares: Non-Finnish European, 0.00017%; no homozygotes.

Submissions (2):

Ambry Genetics
Classification: Uncertain significance. Last evaluated: 2024-10-04. Review status: criteria provided, single submitter. Criteria: Ambry Variant Classification Scheme 2023. Collection method: clinical testing. Allele origin: germline.
Comment: The p.V754A variant (also known as c.2261T>C), located in coding exon 13 of the GEN1 gene, results from a T to C substitution at nucleotide position 2261. The valine at codon 754 is replaced by alanine, an amino acid with similar properties. This amino acid position is conserved. In addition, this alteration is predicted to be tolerated by in silico analysis. Based on the available evidence, the clinical significance of this variant remains unclear.

Labcorp Genetics (formerly Invitae), Labcorp
Classification: Uncertain significance. Last evaluated: 2022-05-03. Review status: criteria provided, single submitter. Criteria: Invitae Variant Classification Sherloc (09022015). Collection method: clinical testing. Allele origin: germline.
Comment: This sequence change replaces valine, which is neutral and non-polar, with alanine, which is neutral and non-polar, at codon 754 of the GEN1 protein (p.Val754Ala). In summary, the available evidence is currently insufficient to determine the role of this variant in disease. Therefore, it has been classified as a Variant of Uncertain Significance. Algorithms developed to predict the effect of missense changes on protein structure and function output the following: SIFT: "Tolerated"; PolyPhen-2: "Benign"; Align-GVGD: "Class C0". The alanine amino acid residue is found in multiple mammalian species, which suggests that this missense change does not adversely affect protein function. This variant has not been reported in the literature in individuals affected with GEN1-related conditions. This variant is present in population databases (rs753695222, gnomAD 0.0009%).

NM_001130009.3(GEN1):c.2261T>C (p.Val754Ala)

Gene: GEN1 (GEN1 structure-specific endonuclease; plus strand). Cytogenetic location: 2p24.2.
Variant type: single nucleotide variant.
Coding change: c.2261T>C on transcript NM_001130009.3 (MANE Select); coding-DNA position 2261, T replaced by C.
Protein change: p.Val754Ala; replaces valine 754 with alanine.
Molecular consequence: missense variant.
Genome position (GRCh38, 1-based): chr2:17,781,473, T>C. VCF-style: chr2-17781473-T-C. GRCh37 (hg19) VCF-style: chr2-17962740-T-C.
Other names: c.2261T>C (NM_001130009.1); c.2261T>C, p.Val754Ala (NM_182625.5); short protein forms V754A.
Identifiers: ClinVar variation 2170346 (VCV002170346.5), dbSNP rs753695222, ClinGen allele CA1540926.